The following is an entry in ClinVar:

ClinVar aggregate classification (germline): Uncertain significance (1 of 4 stars; one submission).

Submission:

Geisinger Autism and Developmental Medicine Institute, Geisinger Health System
Classification: Uncertain significance. Last evaluated: 2018-04-03. Review status: criteria provided, single submitter. Criteria: ACMG CNV Guidelines, 2011. Collection method: provider interpretation. Allele origin: unknown.
Comment: Brain MRI showed mild diffuse loss of the deep white matter in both cerebral hemispheres. These copy number variants are a result of a derivative chromosome 4.

Single allele

Variant type: Deletion.
Identifiers: ClinVar variation 559450 (VCV000559450.3).